The following is an entry in ClinVar:

NM_001130144.3(LTBP3):c.703C>T (p.Pro235Ser)

Gene: LTBP3 (latent transforming growth factor beta binding protein 3; minus strand). Cytogenetic location: 11q13.1.
Variant type: single nucleotide variant.
Coding change: c.703C>T on transcript NM_001130144.3 (MANE Select); coding-DNA position 703, C replaced by T.
Protein change: p.Pro235Ser; replaces proline 235 with serine.
Molecular consequence: missense variant.
Genome position (GRCh38, 1-based): chr11:65,553,862, G>A on the plus strand (C>T on the coding strand, the complement: LTBP3 is on the minus strand). VCF-style: chr11-65553862-G-A. GRCh37 (hg19) VCF-style: chr11-65321333-G-A.
Other names: c.352C>T, p.Pro118Ser (NM_001164266.1); c.703C>T, p.Pro235Ser (NM_021070.4); short protein forms P118S, P235S.
Identifiers: ClinVar variation 1941655 (VCV001941655.5), dbSNP rs1590785913, ClinGen allele CA381276001.

ClinVar aggregate classification (germline): Uncertain significance (1 of 4 stars; one submission).

Conditions:
Brachyolmia-amelogenesis imperfecta syndrome. Also called: PLATYSPONDYLY WITH AMELOGENESIS IMPERFECTA; Tooth agenesis, selective, 6; Dental anomalies and short stature. Identifiers: Orphanet 2899, MedGen C1832594, MONDO:0011018, OMIM 601216. Disease mechanism: loss of function.

Submission:

Labcorp Genetics (formerly Invitae), Labcorp
Classification: Uncertain significance for Brachyolmia-amelogenesis imperfecta syndrome. Last evaluated: 2025-05-26. Review status: criteria provided, single submitter. Criteria: Invitae Variant Classification Sherloc (09022015). Collection method: clinical testing. Allele origin: germline.
Comment: This sequence change replaces proline, which is neutral and non-polar, with serine, which is neutral and polar, at codon 235 of the LTBP3 protein (p.Pro235Ser). This variant is not present in population databases (gnomAD no frequency). This variant has not been reported in the literature in individuals affected with LTBP3-related conditions. ClinVar contains an entry for this variant (Variation ID: 1941655). An algorithm developed to predict the effect of missense changes on protein structure and function (PolyPhen-2) suggests that this variant is likely to be disruptive. In summary, the available evidence is currently insufficient to determine the role of this variant in disease. Therefore, it has been classified as a Variant of Uncertain Significance.